The following is an entry in ClinVar:

ClinVar aggregate classification (germline): Uncertain significance. Review status: criteria provided, multiple submitters, no conflicts (2 of 4 stars). 3 submissions from 3 submitters: Uncertain significance (3). Last evaluated 2025-08-07.

Conditions:
Hyperaldosteronism, familial, type IV (HALD4). Also called: FH IV; ALDOSTERONISM, PRIMARY, AND HYPERTENSION. Identifiers: Orphanet 642671, MedGen C4310756, MONDO:0014875, OMIM 617027.
Idiopathic generalized epilepsy. Also called: Generalised epilepsy; EIG. Identifiers: MedGen C0270850, MONDO:0005579, OMIM 600669.
Inborn genetic diseases. Identifiers: MedGen C0950123, MeSH D030342.

Allele frequency attached by ClinVar (database versions not stated): ExAC 0.00002; 1000 Genomes Project 30x 0.00016.
gnomAD v4.1: 11 of 1,608,764 alleles (0.00068%); highest among the groups gnomAD compares: Middle Eastern, 0.017%; no homozygotes.

Submissions (3):

Ambry Genetics
Classification: Uncertain significance for Inborn genetic diseases. Last evaluated: 2025-08-07. Review status: criteria provided, single submitter. Criteria: Ambry Variant Classification Scheme 2023. Collection method: clinical testing. Allele origin: germline.

Labcorp Genetics (formerly Invitae), Labcorp
Classification: Uncertain significance for Idiopathic generalized epilepsy; Hyperaldosteronism, familial, type IV. Last evaluated: 2025-02-17. Review status: criteria provided, single submitter. Criteria: Invitae Variant Classification Sherloc (09022015). Collection method: clinical testing. Allele origin: germline.
Comment: This sequence change replaces histidine, which is basic and polar, with glutamine, which is neutral and polar, at codon 1617 of the CACNA1H protein (p.His1617Gln). This variant is present in population databases (rs534178272, gnomAD 0.006%). This variant has not been reported in the literature in individuals affected with CACNA1H-related conditions. ClinVar contains an entry for this variant (Variation ID: 2925873). Invitae Evidence Modeling of protein sequence and biophysical properties (such as structural, functional, and spatial information, amino acid conservation, physicochemical variation, residue mobility, and thermodynamic stability) indicates that this missense variant is not expected to disrupt CACNA1H protein function with a negative predictive value of 80%. In summary, the available evidence is currently insufficient to determine the role of this variant in disease. Therefore, it has been classified as a Variant of Uncertain Significance.

Department of Pathology and Laboratory Medicine, Sinai Health System
Classification: Uncertain significance for hyperaldosteronism, familial, type IV. Last evaluated: 2020-08-17. Review status: criteria provided, single submitter. Criteria: ACMG Guidelines, 2015. Collection method: research. Allele origin: germline.

NM_021098.3(CACNA1H):c.4851C>A (p.His1617Gln)

Gene: CACNA1H (calcium voltage-gated channel subunit alpha1 H; plus strand). Cytogenetic location: 16p13.3.
Variant type: single nucleotide variant.
Coding change: c.4851C>A on transcript NM_021098.3 (MANE Select); coding-DNA position 4851, C replaced by A.
Protein change: p.His1617Gln; replaces histidine 1617 with glutamine.
Molecular consequence: missense variant.
Genome position (GRCh38, 1-based): chr16:1,213,853, C>A. VCF-style: chr16-1213853-C-A. GRCh37 (hg19) VCF-style: chr16-1263853-C-A.
Other names: c.4833C>A, p.His1611Gln (NM_001005407.2); c.4851C>A (NM_021098.2); short protein forms H1611Q, H1617Q.
Identifiers: ClinVar variation 2925873 (VCV002925873.5), dbSNP rs534178272, ClinGen allele CA7801643.